The following is an entry in ClinVar:

NM_001127511.3(APC):c.82G>A (p.Gly28Ser)

Gene: APC (APC regulator of Wnt signaling pathway; plus strand). Cytogenetic location: 5q22.2.
Variant type: single nucleotide variant.
Coding change: c.82G>A on transcript NM_001127511.3; coding-DNA position 82, G replaced by A.
Protein change: p.Gly28Ser; replaces glycine 28 with serine.
Molecular consequence: missense variant. On other transcripts: 5 prime UTR variant (8), non-coding transcript variant (1), intron variant (5).
Genome position (GRCh38, 1-based): chr5:112,707,799, G>A. VCF-style: chr5-112707799-G-A. GRCh37 (hg19) VCF-style: chr5-112043496-G-A.
Other names: c.-102G>A (NM_001354895.2, NM_001407447.1, NM_001407452.1 and 3 more transcripts); c.82G>A, p.Gly28Ser (NM_001354897.2, NM_001354902.2, NM_001407446.1); c.-1137G>A (NM_001407470.1, NM_001407472.1); c.-19+150G>A (NM_001407448.1, NM_001407450.1, NM_001407457.1 and 1 more transcripts); c.-43+150G>A (NM_001407453.1); short protein forms G28S.
Identifiers: ClinVar variation 1039450 (VCV001039450.9), dbSNP rs1297745273, ClinGen allele CA360611902.

ClinVar aggregate classification (germline): Uncertain significance (1 of 4 stars; one submission).

Conditions:
Familial adenomatous polyposis 1 (FAP1). Also called: FAMILIAL ADENOMATOUS POLYPOSIS 1, ATTENUATED; POLYPOSIS, ADENOMATOUS INTESTINAL. Identifiers: MedGen C2713442, MONDO:0021056, OMIM 175100. Disease mechanism: loss of function.

Allele frequency attached by ClinVar (database versions not stated): TOPMed 0.00004.
gnomAD v4.1: 4 of 1,370,596 alleles (0.00029%); highest among the groups gnomAD compares: East Asian, 0.0034%; no homozygotes.

Submission:

Labcorp Genetics (formerly Invitae), Labcorp
Classification: Uncertain significance for Familial adenomatous polyposis 1. Last evaluated: 2026-01-14. Review status: criteria provided, single submitter. Criteria: Invitae Variant Classification Sherloc (09022015). Collection method: clinical testing. Allele origin: germline.
Comment: This variant occurs in a non-coding region of the APC gene. It does not change the encoded amino acid sequence of the APC protein. This variant is present in population databases (no rsID available, gnomAD 0.01%). This variant has not been reported in the literature in individuals affected with APC-related conditions. Experimental studies and prediction algorithms are not available or were not evaluated, and the functional significance of this variant is currently unknown. In summary, the available evidence is currently insufficient to determine the role of this variant in disease. Therefore, it has been classified as a Variant of Uncertain Significance.